The following is an entry in ClinVar:

NM_002049.4(GATA1):c.107C>T (p.Ser36Phe)

Gene: GATA1 (GATA binding protein 1; plus strand). Cytogenetic location: Xp11.23.
Variant type: single nucleotide variant.
Coding change: c.107C>T on transcript NM_002049.4 (MANE Select); coding-DNA position 107, C replaced by T.
Protein change: p.Ser36Phe; replaces serine 36 with phenylalanine.
Molecular consequence: missense variant.
Genome position (GRCh38, 1-based): chrX:48,791,216, C>T. VCF-style: chrX-48791216-C-T. GRCh37 (hg19) VCF-style: chrX-48649623-C-T.
Other names: short protein forms S36F.
Identifiers: ClinVar variation 2946049 (VCV002946049.3), dbSNP rs782155672, ClinGen allele CA10404536.

ClinVar aggregate classification (germline): Uncertain significance (1 of 4 stars; one submission).

Conditions:
Diamond-Blackfan anemia. Also called: Blackfan Diamond syndrome; Aregenerative anemia chronic congenital; Red cell aplasia, pure hereditary; Congenital hypoplastic anemia; Aase syndrome. Identifiers: Orphanet 124, MedGen C1260899, MeSH D029503, MONDO:0015253, HP:0004810.
GATA binding protein 1 related thrombocytopenia with dyserythropoiesis. Also called: GATA1-Related Cytopenia; GATA1-Related X-Linked Cytopenia. Identifiers: MedGen C1845837, MONDO:0100089.

Allele frequency attached by ClinVar (database versions not stated): ExAC 0.00002.

Submission:

Labcorp Genetics (formerly Invitae), Labcorp
Classification: Uncertain significance for GATA binding protein 1 related thrombocytopenia with dyserythropoiesis; Diamond-Blackfan anemia. Last evaluated: 2022-12-30. Review status: criteria provided, single submitter. Criteria: Invitae Variant Classification Sherloc (09022015). Collection method: clinical testing. Allele origin: germline.
Comment: In summary, the available evidence is currently insufficient to determine the role of this variant in disease. Therefore, it has been classified as a Variant of Uncertain Significance. Algorithms developed to predict the effect of missense changes on protein structure and function (SIFT, PolyPhen-2, Align-GVGD) all suggest that this variant is likely to be tolerated. This sequence change replaces serine, which is neutral and polar, with phenylalanine, which is neutral and non-polar, at codon 36 of the GATA1 protein (p.Ser36Phe). This variant is present in population databases (rs782155672, gnomAD 0.001%). This variant has not been reported in the literature in individuals affected with GATA1-related conditions.